The following is an entry in ClinVar:

NM_004606.5(TAF1):c.1082G>A (p.Ser361Asn)

Gene: TAF1 (TATA-box binding protein associated factor 1; plus strand). Cytogenetic location: Xq13.1.
Variant type: single nucleotide variant.
Coding change: c.1082G>A on transcript NM_004606.5 (MANE Select); coding-DNA position 1082, G replaced by A.
Protein change: p.Ser361Asn; replaces serine 361 with asparagine.
Molecular consequence: missense variant. On other transcripts: non-coding transcript variant (9).
Genome position (GRCh38, 1-based): chrX:71,378,383, G>A. VCF-style: chrX-71378383-G-A. GRCh37 (hg19) VCF-style: chrX-70598233-G-A.
Other names: c.1019G>A, p.Ser340Asn (NM_138923.4); c.1082G>A, p.Ser361Asn (NM_001286074.2); c.1142G>A (NM_004606.3); short protein forms S340N, S361N.
Identifiers: ClinVar variation 1895503 (VCV001895503.7), dbSNP rs896879164, ClinGen allele CA331008265.
Genomic context (GRCh38, chrX:71,378,383, plus strand): 5'-AGTGGCGTTATGGGCCTGCCCGACTGTGGTATGATATGCTGGGTGTCCCTGAAGATGGCA[G>A]TGGGTTTGACTATGGCTTCAAACTGAGAAAGACAGAACATGAACCTGTGATAAAATCTAG-3'
Protein context (NP_004597.3, residues 351-371): YDMLGVPEDG[Ser361Asn]GFDYGFKLRK

ClinVar aggregate classification (germline): Uncertain significance. Review status: criteria provided, multiple submitters, no conflicts (2 of 4 stars). 2 submissions from 2 submitters: Uncertain significance (2). Last evaluated 2025-04-22.

Conditions:
Inborn genetic diseases. Identifiers: MedGen C0950123, MeSH D030342.

Submissions (2):

Labcorp Genetics (formerly Invitae), Labcorp
Classification: Uncertain significance. Last evaluated: 2025-04-22. Review status: criteria provided, single submitter. Criteria: Invitae Variant Classification Sherloc (09022015). Collection method: clinical testing. Allele origin: germline.
Comment: This sequence change replaces serine, which is neutral and polar, with asparagine, which is neutral and polar, at codon 381 of the TAF1 protein (p.Ser381Asn). This variant is present in population databases (no rsID available, gnomAD 0.004%), including at least one homozygous and/or hemizygous individual. This variant has not been reported in the literature in individuals affected with TAF1-related conditions. ClinVar contains an entry for this variant (Variation ID: 1895503). Invitae Evidence Modeling of protein sequence and biophysical properties (such as structural, functional, and spatial information, amino acid conservation, physicochemical variation, residue mobility, and thermodynamic stability) indicates that this missense variant is not expected to disrupt TAF1 protein function with a negative predictive value of 80%. In summary, the available evidence is currently insufficient to determine the role of this variant in disease. Therefore, it has been classified as a Variant of Uncertain Significance.

Ambry Genetics
Classification: Uncertain significance for Inborn genetic diseases. Last evaluated: 2023-02-28. Review status: criteria provided, single submitter. Criteria: Ambry Variant Classification Scheme 2023. Collection method: clinical testing. Allele origin: germline.